The following is an entry in ClinVar:

NM_005458.8(GABBR2):c.2413-4_2413-3delinsCC

Gene: GABBR2 (gamma-aminobutyric acid type B receptor subunit 2; minus strand). Cytogenetic location: 9q22.33.
Variant type: Indel.
Coding change: c.2413-4_2413-3delinsCC on transcript NM_005458.8 (MANE Select); 4 bases into the intron before coding-DNA position 2413 through 3 bases into the intron before coding-DNA position 2413, GT replaced by CC.
Molecular consequence: intron variant.
Genome position (GRCh38, 1-based): chr9:98,299,356-98,299,357, AC replaced by GG on the plus strand (GT replaced by CC on the coding strand, the reverse complement: GABBR2 is on the minus strand). VCF-style: chr9-98299356-AC-GG. GRCh37 (hg19) VCF-style: chr9-101061638-AC-GG.
Identifiers: ClinVar variation 2822630 (VCV002822630.3), dbSNP rs2491188962, ClinGen allele CA2739264879.

ClinVar aggregate classification (germline): Uncertain significance (1 of 4 stars; one submission).

Conditions:
Epileptic encephalopathy. Identifiers: MedGen C0543888, HP:0200134.

Submission:

Labcorp Genetics (formerly Invitae), Labcorp
Classification: Uncertain significance for Epileptic encephalopathy. Last evaluated: 2022-12-20. Review status: criteria provided, single submitter. Criteria: Invitae Variant Classification Sherloc (09022015). Collection method: clinical testing. Allele origin: germline.
Comment: In summary, the available evidence is currently insufficient to determine the role of this variant in disease. Therefore, it has been classified as a Variant of Uncertain Significance. Variants that disrupt the consensus splice site are a relatively common cause of aberrant splicing (PMID: 17576681, 9536098). This variant has not been reported in the literature in individuals affected with GABBR2-related conditions. Information on the frequency of this variant in the gnomAD database is not available, as this variant may be reported differently in the database. This sequence change falls in intron 16 of the GABBR2 gene. It does not directly change the encoded amino acid sequence of the GABBR2 protein. It affects a nucleotide within the consensus splice site.

Literature cited by the submitters: PubMed 17576681; PubMed 9536098.